The following is an entry in ClinVar:

NM_002439.5(MSH3):c.1859A>G (p.Asp620Gly)

Gene: MSH3 (mutS homolog 3; plus strand). Cytogenetic location: 5q14.1.
Variant type: single nucleotide variant.
Coding change: c.1859A>G on transcript NM_002439.5 (MANE Select); coding-DNA position 1859, A replaced by G.
Protein change: p.Asp620Gly; replaces aspartic acid 620 with glycine.
Molecular consequence: missense variant.
Genome position (GRCh38, 1-based): chr5:80,761,641, A>G. VCF-style: chr5-80761641-A-G. GRCh37 (hg19) VCF-style: chr5-80057460-A-G.
Other names: short protein forms D620G.
Identifiers: ClinVar variation 3398737 (VCV003398737.2).

ClinVar aggregate classification (germline): Uncertain significance. Review status: criteria provided, multiple submitters, no conflicts (2 of 4 stars). 2 submissions from 2 submitters: Uncertain significance (2). Last evaluated 2025-11-06.

Conditions:
Hereditary cancer-predisposing syndrome. Also called: Hereditary Cancer Syndrome; Tumor predisposition; Hereditary neoplastic syndrome; Neoplastic Syndromes, Hereditary. Identifiers: Orphanet 140162, MedGen C0027672, MeSH D009386, MONDO:0015356.

Submissions (2):

Labcorp Genetics (formerly Invitae), Labcorp
Classification: Uncertain significance. Last evaluated: 2025-11-06. Review status: criteria provided, single submitter. Criteria: Invitae Variant Classification Sherloc (09022015). Collection method: clinical testing. Allele origin: germline.
Comment: This sequence change replaces aspartic acid, which is acidic and polar, with glycine, which is neutral and non-polar, at codon 620 of the MSH3 protein (p.Asp620Gly). This variant is not present in population databases (gnomAD no frequency). This variant has not been reported in the literature in individuals affected with MSH3-related conditions. ClinVar contains an entry for this variant (Variation ID: 3398737). An algorithm developed to predict the effect of missense changes on protein structure and function (PolyPhen-2) suggests that this variant is likely to be disruptive. In summary, the available evidence is currently insufficient to determine the role of this variant in disease. Therefore, it has been classified as a Variant of Uncertain Significance.

Ambry Genetics
Classification: Uncertain significance for Hereditary cancer-predisposing syndrome. Last evaluated: 2024-10-01. Review status: criteria provided, single submitter. Criteria: Ambry Variant Classification Scheme 2023. Collection method: clinical testing. Allele origin: germline.
Comment: The p.D620G variant (also known as c.1859A>G), located in coding exon 13 of the MSH3 gene, results from an A to G substitution at nucleotide position 1859. The aspartic acid at codon 620 is replaced by glycine, an amino acid with similar properties. This amino acid position is conserved. In addition, this alteration is predicted to be deleterious by in silico analysis. Based on the available evidence, the clinical significance of this variant remains unclear.